The following is an entry in ClinVar:

ClinVar aggregate classification (germline): Likely benign. Review status: criteria provided, multiple submitters, no conflicts (2 of 4 stars). 3 submissions from 3 submitters: Likely benign (2). 1 of the submissions does not count toward it. Last evaluated 2025-03-17.

Conditions:
FREM1-related disorder. Also called: FREM1-Related Disorders; FREM1-related condition.

Allele frequency attached by ClinVar (database versions not stated): ExAC 0.00002; gnomAD 0.00003; gnomAD exomes 0.00004; TOPMed 0.00004.
gnomAD v4.1: 65 of 1,613,754 alleles (0.004%); highest among the groups gnomAD compares: Middle Eastern, 0.016%; no homozygotes.

Submissions (3):

Labcorp Genetics (formerly Invitae), Labcorp
Classification: Likely benign. Last evaluated: 2025-03-17. Review status: criteria provided, single submitter. Criteria: Invitae Variant Classification Sherloc (09022015). Collection method: clinical testing. Allele origin: germline.

Blueprint Genetics
Classification: Likely benign. Last evaluated: 2022-09-08. Review status: criteria provided, single submitter. Criteria: ACMG Guidelines, 2015. Collection method: clinical testing. Allele origin: germline.

PreventionGenetics, part of Exact Sciences
Classification: Likely benign for FREM1-related condition. Last evaluated: 2019-07-30. Review status: no assertion criteria provided. Collection method: clinical testing. Allele origin: germline. Not counted in ClinVar's aggregate classification.
Comment: This variant is classified as likely benign based on ACMG/AMP sequence variant interpretation guidelines (Richards et al. 2015 PMID: 25741868, with internal and published modifications).

NM_001379081.2(FREM1):c.903C>T (p.Ala301=)

Gene: FREM1 (FRAS1 related extracellular matrix 1; minus strand). Cytogenetic location: 9p22.3.
Variant type: single nucleotide variant.
Coding change: c.903C>T on transcript NM_001379081.2 (MANE Select); coding-DNA position 903, C replaced by T.
Protein change: p.Ala301=; no amino-acid change (alanine 301 retained).
Molecular consequence: synonymous variant. On other transcripts: non-coding transcript variant (4).
Genome position (GRCh38, 1-based): chr9:14,851,533, G>A on the plus strand (C>T on the coding strand, the complement: FREM1 is on the minus strand). VCF-style: chr9-14851533-G-A. GRCh37 (hg19) VCF-style: chr9-14851531-G-A.
Other names: c.930C>T, p.Ala310= (NM_001370060.1); c.903C>T, p.Ala301= (NM_001370063.1, NM_001370065.1, NM_144966.7).
Identifiers: ClinVar variation 3050391 (VCV003050391.4), dbSNP rs752192940, ClinGen allele CA4991414.